The following is an entry in ClinVar:

NM_001291415.2(KDM6A):c.3365+2dup

Gene: KDM6A (lysine demethylase 6A; plus strand). Cytogenetic location: Xp11.3.
Variant type: Duplication.
Coding change: c.3365+2dup on transcript NM_001291415.2 (MANE Select); the canonical splice donor site of the intron after coding-DNA position 3365, one base duplicated (T; older notation c.3365+2dupT).
Molecular consequence: splice donor variant.
Genome position (GRCh38, 1-based): chrX:45,082,642, T duplicated. VCF-style (leftmost placement, unchanged base first): chrX-45082641-G-GT. GRCh37 (hg19) VCF-style: chrX-44941886-G-GT.
Other names: c.3209+2dup (NM_021140.4); c.3230+2dup (NM_001291416.2); c.3074+2dup (NM_001291417.2); c.2972+2dup (NM_001291418.2); c.2321+2dup (NM_001291421.2).
Identifiers: ClinVar variation 2112351 (VCV002112351.4), dbSNP rs2523221009, ClinGen allele CA2580100986.

ClinVar aggregate classification (germline): Uncertain significance (1 of 4 stars; one submission).

Conditions:
Kabuki syndrome 2 (KABUK2). Also called: KDM6A-Related Kabuki Syndrome. Identifiers: Orphanet 2322, MedGen C3275495, MONDO:0010465, OMIM 300867.

Submission:

Labcorp Genetics (formerly Invitae), Labcorp
Classification: Uncertain significance for Kabuki syndrome 2. Last evaluated: 2023-12-11. Review status: criteria provided, single submitter. Criteria: Invitae Variant Classification Sherloc (09022015). Collection method: clinical testing. Allele origin: germline.
Comment: This sequence change falls in intron 21 of the KDM6A gene. It does not directly change the encoded amino acid sequence of the KDM6A protein. It affects a nucleotide within the consensus splice site. This variant is not present in population databases (gnomAD no frequency). This variant has not been reported in the literature in individuals affected with KDM6A-related conditions. ClinVar contains an entry for this variant (Variation ID: 2112351). Variants that disrupt the consensus splice site are a relatively common cause of aberrant splicing (PMID: 17576681, 9536098). Algorithms developed to predict the effect of sequence changes on RNA splicing suggest that this variant may disrupt the consensus splice site. In summary, the available evidence is currently insufficient to determine the role of this variant in disease. Therefore, it has been classified as a Variant of Uncertain Significance.

Literature cited by the submitters: PubMed 17576681; PubMed 9536098.